The following is an entry in ClinVar:

NM_172341.4(PSENEN):c.75C>G (p.Phe25Leu)

Gene: PSENEN (presenilin enhancer, gamma-secretase subunit; plus strand). Cytogenetic location: 19q13.12.
Variant type: single nucleotide variant.
Coding change: c.75C>G on transcript NM_172341.4 (MANE Select); coding-DNA position 75, C replaced by G.
Protein change: p.Phe25Leu; replaces phenylalanine 25 with leucine.
Molecular consequence: missense variant.
Genome position (GRCh38, 1-based): chr19:35,746,432, C>G. VCF-style: chr19-35746432-C-G. GRCh37 (hg19) VCF-style: chr19-36237333-C-G.
Other names: c.75C>G, p.Phe25Leu (NM_001281532.3); short protein forms F25L.
Identifiers: ClinVar variation 1374058 (VCV001374058.6), dbSNP rs550667831, ClinGen allele CA9387015.

ClinVar aggregate classification (germline): Uncertain significance (1 of 4 stars; one submission).

Allele frequency attached by ClinVar (database versions not stated): 1000 Genomes Project 0.00020; 1000 Genomes Project 30x 0.00031.
gnomAD v4.1: 5 of 1,613,678 alleles (0.00031%); highest among the groups gnomAD compares: Admixed American, 0.0033%; no homozygotes.

Submission:

Labcorp Genetics (formerly Invitae), Labcorp
Classification: Uncertain significance. Last evaluated: 2023-11-24. Review status: criteria provided, single submitter. Criteria: Invitae Variant Classification Sherloc (09022015). Collection method: clinical testing. Allele origin: germline.
Comment: This sequence change replaces phenylalanine, which is neutral and non-polar, with leucine, which is neutral and non-polar, at codon 25 of the PSENEN protein (p.Phe25Leu). This variant is present in population databases (rs550667831, gnomAD 0.004%). This variant has not been reported in the literature in individuals affected with PSENEN-related conditions. ClinVar contains an entry for this variant (Variation ID: 1374058). Algorithms developed to predict the effect of missense changes on protein structure and function output the following: SIFT: "Not Available"; PolyPhen-2: "Benign"; Align-GVGD: "Not Available". The leucine amino acid residue is found in multiple mammalian species, which suggests that this missense change does not adversely affect protein function. In summary, the available evidence is currently insufficient to determine the role of this variant in disease. Therefore, it has been classified as a Variant of Uncertain Significance.